The following is an entry in ClinVar:

ClinVar aggregate classification (germline): Uncertain significance (1 of 4 stars; one submission).

Conditions:
Glycogen storage disease, type IV (GSD4). Also called: AMYLOPECTINOSIS; ANDERSEN DISEASE; BRANCHER DEFICIENCY; CIRRHOSIS, FAMILIAL, WITH DEPOSITION OF ABNORMAL GLYCOGEN; GBE1 DEFICIENCY; GLYCOGEN BRANCHING ENZYME DEFICIENCY. Identifiers: Orphanet 367, MedGen C0017923, MONDO:0009292, OMIM 232500.
Glycogen storage disease IV, classic hepatic. Also called: GSD IV, CLASSIC HEPATIC. Identifiers: MedGen C1856301.

Submission:

Labcorp Genetics (formerly Invitae), Labcorp
Classification: Uncertain significance for Glycogen storage disease, type IV; Glycogen storage disease IV, classic hepatic. Last evaluated: 2021-01-30. Review status: criteria provided, single submitter. Criteria: Invitae Variant Classification Sherloc (09022015). Collection method: clinical testing. Allele origin: germline.
Comment: In summary, the available evidence is currently insufficient to determine the role of this variant in disease. Therefore, it has been classified as a Variant of Uncertain Significance. Advanced modeling of protein sequence and biophysical properties (such as structural, functional, and spatial information, amino acid conservation, physicochemical variation, residue mobility, and thermodynamic stability) performed at Invitae indicates that this missense variant is not expected to disrupt GBE1 protein function. This variant has not been reported in the literature in individuals with GBE1-related conditions. This variant is not present in population databases (ExAC no frequency). This sequence change replaces isoleucine with valine at codon 253 of the GBE1 protein (p.Ile253Val). The isoleucine residue is weakly conserved and there is a small physicochemical difference between isoleucine and valine.

NM_000158.4(GBE1):c.757A>G (p.Ile253Val)

Gene: GBE1 (1,4-alpha-glucan branching enzyme 1; minus strand). Cytogenetic location: 3p12.2.
Variant type: single nucleotide variant.
Coding change: c.757A>G on transcript NM_000158.4 (MANE Select); coding-DNA position 757, A replaced by G.
Protein change: p.Ile253Val; replaces isoleucine 253 with valine.
Molecular consequence: missense variant.
Genome position (GRCh38, 1-based): chr3:81,646,417, T>C on the plus strand (A>G on the coding strand, the complement: GBE1 is on the minus strand). VCF-style: chr3-81646417-T-C. GRCh37 (hg19) VCF-style: chr3-81695568-T-C.
Other names: short protein forms I253V.
Identifiers: ClinVar variation 1505846 (VCV001505846.6), dbSNP rs2107065942, ClinGen allele CA353688046.